The following is an entry in ClinVar:

ClinVar aggregate classification (germline): Uncertain significance (1 of 4 stars; one submission).

Submission:

Women's Health and Genetics/Laboratory Corporation of America, LabCorp
Classification: Uncertain significance. Last evaluated: 2024-10-22. Review status: criteria provided, single submitter. Criteria: LabCorp Variant Classification Summary - May 2015. Collection method: clinical testing. Allele origin: germline.
Comment: Variant summary: The variant involves the duplication of exon 1 in the HPS6 gene, which is a single exon gene. A presumed nomenclature of c.(?_-127)_(*235_?)dup has been designated for the purposes of this classification. This duplication includes the entire coding sequence of the gene. As exact breakpoints are unknown, it may extend beyond the annotated region of the gene, to include other flanking genes. The variant was absent in 21658 control chromosomes (gnomAD v2 SV). The available data on variant occurrences in the general population are insufficient to allow any conclusion about variant significance. To our knowledge, no occurrence of c.(?_-127)_(*235_?)dup in individuals affected with Hermansky-Pudlak Syndrome and no experimental evidence demonstrating its impact on protein function have been reported. ClinVar contains an entry for this variant (Variation ID: 1441424). Based on the evidence outlined above, the variant was classified as uncertain significance.

NC_000010.10:g.(?_103825105)_(103827794_?)dup

Gene: HPS6 (HPS6 biogenesis of lysosomal organelles complex 2 subunit 3; plus strand). Cytogenetic location: 10q24.32.
Variant type: Duplication.
Identifiers: ClinVar variation 3385141 (VCV003385141.1).